The following is an entry in ClinVar:

NM_177438.3(DICER1):c.4703GCT[1] (p.Cys1569del)

Gene: DICER1 (dicer 1, ribonuclease III; minus strand). Cytogenetic location: 14q32.13.
Variant type: Microsatellite.
Coding change: c.4703GCT[1] on transcript NM_177438.3 (MANE Select); one copy of the 3-base unit GCT starting at c.4703; the reference has two copies in a row; one copy, 3 bases deleted.
Protein change: p.Cys1569del; deletes cysteine 1569.
Molecular consequence: inframe deletion. On other transcripts: inframe indel (2), non-coding transcript variant (6).
Genome position (GRCh38, 1-based): chr14:95,096,212-95,096,214, AGC deleted on the plus strand (GCT on the coding strand, the reverse complement: DICER1 is on the minus strand); deleting any 3 consecutive bases within chr14:95,096,212-95,096,217 gives the same sequence; the position shown is the placement nearest the transcript's 3' end. VCF-style (leftmost placement, unchanged base first): chr14-95096211-TAGC-T. GRCh37 (hg19) VCF-style: chr14-95562548-TAGC-T.
Other names: c.4298GCT[1], p.Cys1434del (NM_001395689.1, NM_001395690.1, NM_001395696.1 and 2 more transcripts); c.4136GCT[1], p.Cys1380del (NM_001395691.1); c.4703GCT[1], p.Cys1569del (NM_001395692.1, NM_001395693.1, NM_001395694.1 and 12 more transcripts); c.3020GCT[1], p.Cys1008del (NM_001395697.1); c.4703_4705GCT[1], p.Cys1569del (NM_177438.2, NM_001395681.1); c.4421GCT[1], p.Cys1475del (NM_001395686.1); c.4706_4708delGCT (NM_177438.2); short protein forms C1569del, C1475del, C1380del, C1434del, C1008del.
Identifiers: ClinVar variation 2744292 (VCV002744292.4), dbSNP rs2542488935, ClinGen allele CA2697554164.

ClinVar aggregate classification (germline): Uncertain significance. Review status: criteria provided, multiple submitters, no conflicts (2 of 4 stars). 2 submissions from 2 submitters: Uncertain significance (2). Last evaluated 2025-08-06.

Conditions:
DICER1-related tumor predisposition. Also called: DICER1 syndrome; DICER1-related pleuropulmonary blastoma cancer predisposition syndrome. Identifiers: Orphanet 284343, MedGen C3839822, MONDO:0100216.
Hereditary cancer-predisposing syndrome. Also called: Hereditary Cancer Syndrome; Tumor predisposition; Hereditary neoplastic syndrome; Neoplastic Syndromes, Hereditary. Identifiers: Orphanet 140162, MedGen C0027672, MeSH D009386, MONDO:0015356.

Submissions (2):

Ambry Genetics
Classification: Uncertain significance for Hereditary cancer-predisposing syndrome. Last evaluated: 2025-08-06. Review status: criteria provided, single submitter. Criteria: Ambry Variant Classification Scheme 2023. Collection method: clinical testing. Allele origin: germline.
Comment: The c.4706_4708delGCT variant (also known as p.C1569del) is located in coding exon 22 of the DICER1 gene. This variant results from an in-frame GCT deletion at nucleotide positions 4706 to 4708. This results in the in-frame deletion of a cysteine at codon 1569. This amino acid position is highly conserved in available vertebrate species. In addition, this variant is predicted to be deleterious by in silico analysis (Choi Y et al. PLoS ONE. 2012; 7(10):e46688). Based on the available evidence, the clinical significance of this variant remains unclear.

Labcorp Genetics (formerly Invitae), Labcorp
Classification: Uncertain significance for DICER1-related tumor predisposition. Last evaluated: 2023-05-28. Review status: criteria provided, single submitter. Criteria: Invitae Variant Classification Sherloc (09022015). Collection method: clinical testing. Allele origin: germline.
Comment: In summary, the available evidence is currently insufficient to determine the role of this variant in disease. Therefore, it has been classified as a Variant of Uncertain Significance. Experimental studies and prediction algorithms are not available or were not evaluated, and the functional significance of this variant is currently unknown. This variant has not been reported in the literature in individuals affected with DICER1-related conditions. This variant is not present in population databases (gnomAD no frequency). This variant, c.4706_4708del, results in the deletion of 1 amino acid(s) of the DICER1 protein (p.Cys1569del), but otherwise preserves the integrity of the reading frame.